The following is an entry in ClinVar:

NM_006767.4(LZTR1):c.219_220delinsTT (p.Val74Leu)

Gene: LZTR1 (leucine zipper like post translational regulator 1; plus strand). Cytogenetic location: 22q11.21.
Variant type: Indel.
Coding change: c.219_220delinsTT on transcript NM_006767.4 (MANE Select); coding-DNA positions 219 to 220, GG replaced by TT.
Protein change: p.Val74Leu; replaces valine 74 with leucine.
Molecular consequence: missense variant.
Genome position (GRCh38, 1-based): chr22:20,983,045-20,983,046, GG replaced by TT. VCF-style: chr22-20983045-GG-TT. GRCh37 (hg19) VCF-style: chr22-21337334-GG-TT.
Other names: short protein forms V74L.
Identifiers: ClinVar variation 3869318 (VCV003869318.1).

ClinVar aggregate classification (germline): Uncertain significance (1 of 4 stars; one submission).

Conditions:
Cardiovascular phenotype. Identifiers: MedGen CN230736.
Hereditary cancer-predisposing syndrome. Also called: Tumor predisposition; Neoplastic Syndromes, Hereditary; Hereditary Cancer Syndrome; Hereditary neoplastic syndrome. Identifiers: Orphanet 140162, MedGen C0027672, MeSH D009386, MONDO:0015356.

Submission:

Ambry Genetics
Classification: Uncertain significance for Cardiovascular phenotype; Hereditary cancer-predisposing syndrome. Last evaluated: 2025-02-18. Review status: criteria provided, single submitter. Criteria: Ambry Variant Classification Scheme 2023. Collection method: clinical testing. Allele origin: germline.
Comment: The c.219_220delGGinsTT variant, located in coding exon 2 of the LZTR1 gene, results from an in-frame deletion of GG and insertion of TT at nucleotide positions 219 to 220. This results in the substitution of the valine residue for a leucine residue at codon 74, an amino acid with highly similar properties. This amino acid position is highly conserved in available vertebrate species. In addition, this alteration is predicted to be neutral by in silico analysis (Choi Y et al. PLoS ONE. 2012; 7(10):e46688). Based on the available evidence, the clinical significance of this variant remains unclear.